The following is an entry in ClinVar:

ClinVar aggregate classification (germline): Uncertain significance. Review status: criteria provided, multiple submitters, no conflicts (2 of 4 stars). 3 submissions from 3 submitters: Uncertain significance (3). Last evaluated 2024-04-12.

Conditions:
Inborn genetic diseases. Identifiers: MedGen C0950123, MeSH D030342.
Van Maldergem syndrome 2 (VMLDS2). Identifiers: Orphanet 314679, MedGen C3809875, MONDO:0014242, OMIM 615546.
Hennekam lymphangiectasia-lymphedema syndrome 2 (HKLLS2). Identifiers: Orphanet 2136, MedGen C4014939, MONDO:0014454, OMIM 616006.

Allele frequency attached by ClinVar (database versions not stated): TOPMed 0.00003; gnomAD 0.00004 and 0.00005; ExAC 0.00006.
gnomAD v4.1: 89 of 1,613,664 alleles (0.0055%); highest among the groups gnomAD compares: South Asian, 0.018%; no homozygotes.

Submissions (3):

Fulgent Genetics
Classification: Uncertain significance for Van Maldergem syndrome 2; Hennekam lymphangiectasia-lymphedema syndrome 2. Last evaluated: 2024-04-12. Review status: criteria provided, single submitter. Criteria: ACMG Guidelines, 2015. Collection method: clinical testing. Allele origin: germline.

Ambry Genetics
Classification: Uncertain significance for Inborn genetic diseases. Last evaluated: 2023-10-25. Review status: criteria provided, single submitter. Criteria: Ambry Variant Classification Scheme 2023. Collection method: clinical testing. Allele origin: germline.

Labcorp Genetics (formerly Invitae), Labcorp
Classification: Uncertain significance. Last evaluated: 2022-07-23. Review status: criteria provided, single submitter. Criteria: Invitae Variant Classification Sherloc (09022015). Collection method: clinical testing. Allele origin: germline.
Comment: This sequence change replaces threonine, which is neutral and polar, with methionine, which is neutral and non-polar, at codon 3038 of the FAT4 protein (p.Thr3038Met). This variant is present in population databases (rs778223332, gnomAD 0.02%). This variant has not been reported in the literature in individuals affected with FAT4-related conditions. ClinVar contains an entry for this variant (Variation ID: 1516366). Advanced modeling of protein sequence and biophysical properties (such as structural, functional, and spatial information, amino acid conservation, physicochemical variation, residue mobility, and thermodynamic stability) performed at Invitae indicates that this missense variant is not expected to disrupt FAT4 protein function. In summary, the available evidence is currently insufficient to determine the role of this variant in disease. Therefore, it has been classified as a Variant of Uncertain Significance.

NM_001291303.3(FAT4):c.9119C>T (p.Thr3040Met)

Gene: FAT4 (FAT atypical cadherin 4; plus strand). Cytogenetic location: 4q28.1.
Variant type: single nucleotide variant.
Coding change: c.9119C>T on transcript NM_001291303.3 (MANE Select); coding-DNA position 9119, C replaced by T.
Protein change: p.Thr3040Met; replaces threonine 3040 with methionine.
Molecular consequence: missense variant.
Genome position (GRCh38, 1-based): chr4:125,450,129, C>T. VCF-style: chr4-125450129-C-T. GRCh37 (hg19) VCF-style: chr4-126371284-C-T.
Other names: c.9119C>T, p.Thr3040Met (NM_001291285.3); c.9113C>T, p.Thr3038Met (NM_024582.6); c.9113C>T (NM_024582.4, NM_024582.5); short protein forms T3040M, T3038M.
Identifiers: ClinVar variation 1516366 (VCV001516366.5), dbSNP rs778223332, ClinGen allele CA3073472.
Genomic context (GRCh38, chr4:125,450,129, plus strand): 5'-AAGTGGAGTATTTCATTTCTAATGATAACCATTTAGGAAAATTTAAGTTGGACAATGATA[C>T]GGGGTGGATTTCAGTAGCATCCTCCCTGATTTCTGACTTGAACCAAAACTTTTTTATCAC-3'
Protein context (NP_001278232.1, residues 3030-3050): HLGKFKLDND[Thr3040Met]GWISVASSLI